The following is an entry in ClinVar:

ClinVar aggregate classification (germline): Uncertain significance. Review status: criteria provided, multiple submitters, no conflicts (2 of 4 stars). 2 submissions from 2 submitters: Uncertain significance (2). Last evaluated 2023-12-07.

Conditions:
Inborn genetic diseases. Identifiers: MedGen C0950123, MeSH D030342.

Allele frequency attached by ClinVar (database versions not stated): TOPMed 0.00002; ESP Exome Variant Server 0.00008.
gnomAD v4.1: 34 of 1,614,006 alleles (0.0021%); highest among the groups gnomAD compares: South Asian, 0.0044%; no homozygotes.

Submissions (2):

Ambry Genetics
Classification: Uncertain significance for Inborn genetic diseases. Last evaluated: 2023-12-07. Review status: criteria provided, single submitter. Criteria: Ambry Variant Classification Scheme 2023. Collection method: clinical testing. Allele origin: germline.

GeneDx
Classification: Uncertain significance. Last evaluated: 2019-11-26. Review status: criteria provided, single submitter. Criteria: GeneDx Variant Classification Process June 2021. Collection method: clinical testing. Allele origin: germline. Affected: yes.
Comment: In silico analysis, which includes protein predictors and evolutionary conservation, supports a deleterious effect; Has not been previously published as pathogenic or benign to our knowledge

NM_000497.4(CYP11B1):c.622C>T (p.Arg208Trp)

Genes: CYP11B1 (cytochrome P450 family 11 subfamily B member 1; minus strand), LOC106799833 (CYP11B1 recombination region; plus strand). Cytogenetic location: 8q24.3.
Variant type: single nucleotide variant.
Coding change: c.622C>T on transcript NM_000497.4 (MANE Select); coding-DNA position 622, C replaced by T.
Protein change: p.Arg208Trp; replaces arginine 208 with tryptophan.
Molecular consequence: missense variant.
Genome position (GRCh38, 1-based): chr8:142,876,859, G>A on the plus strand (C>T on the coding strand, the complement: CYP11B1 is on the minus strand). VCF-style: chr8-142876859-G-A. GRCh37 (hg19) VCF-style: chr8-143958275-G-A.
Other names: c.622C>T, p.Arg208Trp (NM_001026213.1); short protein forms R208W.
Identifiers: ClinVar variation 1309916 (VCV001309916.3), dbSNP rs372378491, ClinGen allele CA4905358.